The following is an entry in ClinVar:

ClinVar aggregate classification (germline): Uncertain significance (1 of 4 stars; one submission).

Conditions:
Hereditary cancer-predisposing syndrome. Also called: Neoplastic Syndromes, Hereditary; Tumor predisposition; Hereditary neoplastic syndrome; Hereditary Cancer Syndrome. Identifiers: Orphanet 140162, MedGen C0027672, MeSH D009386, MONDO:0015356.

Submission:

Ambry Genetics
Classification: Uncertain significance for Hereditary cancer-predisposing syndrome. Last evaluated: 2024-05-09. Review status: criteria provided, single submitter. Criteria: Ambry Variant Classification Scheme 2023. Collection method: clinical testing. Allele origin: germline.
Comment: The p.L1581H variant (also known as c.4742T>A), located in coding exon 36 of the TSC2 gene, results from a T to A substitution at nucleotide position 4742. The leucine at codon 1581 is replaced by histidine, an amino acid with similar properties. This amino acid position is conserved. In addition, this alteration is predicted to be deleterious by in silico analysis. Based on the available evidence, the clinical significance of this variant remains unclear.

NM_000548.5(TSC2):c.4742T>A (p.Leu1581His)

Gene: TSC2 (TSC complex subunit 2; plus strand). Cytogenetic location: 16p13.3.
Variant type: single nucleotide variant.
Coding change: c.4742T>A on transcript NM_000548.5 (MANE Select); coding-DNA position 4742, T replaced by A.
Protein change: p.Leu1581His; replaces leucine 1581 with histidine.
Molecular consequence: missense variant. On other transcripts: non-coding transcript variant (5).
Genome position (GRCh38, 1-based): chr16:2,086,272, T>A. VCF-style: chr16-2086272-T-A. GRCh37 (hg19) VCF-style: chr16-2136273-T-A.
Other names: c.4541T>A, p.Leu1514His (NM_001077183.3); c.4673T>A, p.Leu1558His (NM_001114382.3); c.4433T>A, p.Leu1478His (NM_001318827.2); c.4397T>A, p.Leu1466His (NM_001318829.2); c.4010T>A, p.Leu1337His (NM_001318831.2); c.4574T>A, p.Leu1525His (NM_001318832.2); c.4544T>A, p.Leu1515His (NM_001363528.2); c.4610T>A, p.Leu1537His (NM_001370404.1); and 26 more; short protein forms L1066H, L1067H, L1110H, L1314H, L1337H, L1477H, L1495H, L1511H.
Identifiers: ClinVar variation 3329511 (VCV003329511.1).